The following is an entry in ClinVar:

ClinVar aggregate classification (germline): Uncertain significance (1 of 4 stars; one submission).

Submission:

Mayo Clinic Laboratories, Mayo Clinic
Classification: Uncertain significance. Last evaluated: 2025-04-01. Review status: criteria provided, single submitter. Criteria: ACMG Guidelines, 2015. Collection method: clinical testing. Allele origin: germline. Observed: 1 variant allele.
Comment: PM2_supporting

NM_001267550.2(TTN):c.14209G>A (p.Gly4737Ser)

Gene: TTN (titin; minus strand). Cytogenetic location: 2q31.2.
Variant type: single nucleotide variant.
Coding change: c.14209G>A on transcript NM_001267550.2 (MANE Select); coding-DNA position 14209, G replaced by A.
Protein change: p.Gly4737Ser; replaces glycine 4737 with serine.
Molecular consequence: missense variant.
Genome position (GRCh38, 1-based): chr2:178,738,244, C>T on the plus strand (G>A on the coding strand, the complement: TTN is on the minus strand). VCF-style: chr2-178738244-C-T. GRCh37 (hg19) VCF-style: chr2-179602971-C-T.
Other names: p.Gly3493Ser; c.13258G>A, p.Gly4420Ser (NM_001256850.1); c.13120G>A, p.Gly4374Ser (NM_003319.4); c.10477G>A, p.Gly3493Ser (NM_133378.4); c.13495G>A, p.Gly4499Ser (NM_133432.3); c.13696G>A, p.Gly4566Ser (NM_133437.4); short protein forms G3493S, G4499S, G4420S, G4566S, G4737S, G4374S.
Identifiers: ClinVar variation 4540762 (VCV004540762.1).